The following is an entry in ClinVar:

NM_003579.4(RAD54L):c.1957G>A (p.Glu653Lys)

Genes: RAD54L (RAD54 like; plus strand), LRRC41 (leucine rich repeat containing 41; minus strand). Cytogenetic location: 1p34.1.
Variant type: single nucleotide variant.
Coding change: c.1957G>A on transcript NM_003579.4 (MANE Select); coding-DNA position 1957, G replaced by A.
Protein change: p.Glu653Lys; replaces glutamic acid 653 with lysine.
Molecular consequence: missense variant. On other transcripts: 3 prime UTR variant (1).
Genome position (GRCh38, 1-based): chr1:46,277,904, G>A. VCF-style: chr1-46277904-G-A. GRCh37 (hg19) VCF-style: chr1-46743576-G-A.
Other names: c.*961C>T (NM_006369.5); c.1957G>A, p.Glu653Lys (NM_001142548.2); c.1417G>A, p.Glu473Lys (NM_001370766.1); short protein forms E473K, E653K.
Identifiers: ClinVar variation 2561513 (VCV002561513.2), dbSNP rs2525729780, ClinGen allele CA340189845.

ClinVar aggregate classification (germline): Uncertain significance (1 of 4 stars; one submission).

Allele frequency attached by ClinVar (database versions not stated): gnomAD exomes 0.00001.
gnomAD v4.1: 11 of 1,614,120 alleles (0.00068%); highest among the groups gnomAD compares: Non-Finnish European, 0.00093%; no homozygotes.

Submission:

Ambry Genetics
Classification: Uncertain significance. Last evaluated: 2023-05-27. Review status: criteria provided, single submitter. Criteria: Ambry Variant Classification Scheme 2023. Collection method: clinical testing. Allele origin: germline.
Comment: The p.E653K variant (also known as c.1957G>A), located in coding exon 17 of the RAD54L gene, results from a G to A substitution at nucleotide position 1957. The glutamic acid at codon 653 is replaced by lysine, an amino acid with similar properties. This amino acid position is conserved. In addition, the in silico prediction for this alteration is inconclusive. Since supporting evidence is limited at this time, the clinical significance of this alteration remains unclear.